The following is an entry in ClinVar:

ClinVar aggregate classification (germline): Benign/Likely benign. Review status: criteria provided, multiple submitters, no conflicts (2 of 4 stars). 4 submissions from 4 submitters: Benign (1); Likely benign (2). 1 of the submissions does not count toward it. Last evaluated 2026-07-01.

Conditions:
KMT2D-related disorder. Also called: KMT2D-Related Disorders.
Kabuki syndrome. Also called: NIIKAWA-KUROKI SYNDROME; Kabuki make-up syndrome. Identifiers: Orphanet 2322, MedGen C0796004, MONDO:0016512.

Allele frequency attached by ClinVar (database versions not stated): TOPMed 0.00008.
gnomAD v4.1: 64 of 1,612,680 alleles (0.004%); highest among the groups gnomAD compares: Admixed American, 0.11%; no homozygotes.

Submissions (4):

CeGaT Center for Human Genetics Tuebingen
Classification: Likely benign. Last evaluated: 2026-07-01. Review status: criteria provided, single submitter. Criteria: CeGaT Center For Human Genetics Tuebingen Variant Classification Criteria Version 2. Collection method: clinical testing. Allele origin: germline. Affected: yes. Observed: 2 variant alleles.
Comment: KMT2D: BS1

Labcorp Genetics (formerly Invitae), Labcorp
Classification: Likely benign for Kabuki syndrome. Last evaluated: 2025-12-23. Review status: criteria provided, single submitter. Criteria: Invitae Variant Classification Sherloc (09022015). Collection method: clinical testing. Allele origin: germline.

GeneDx
Classification: Benign. Last evaluated: 2020-07-13. Review status: criteria provided, single submitter. Criteria: GeneDx Variant Classification Process June 2021. Collection method: clinical testing. Allele origin: germline. Affected: yes.

PreventionGenetics, part of Exact Sciences
Classification: Likely benign for KMT2D-related condition. Last evaluated: 2022-06-20. Review status: no assertion criteria provided. Collection method: clinical testing. Allele origin: germline. Not counted in ClinVar's aggregate classification.
Comment: This variant is classified as likely benign based on ACMG/AMP sequence variant interpretation guidelines (Richards et al. 2015 PMID: 25741868, with internal and published modifications).

NM_003482.4(KMT2D):c.12999G>T (p.Glu4333Asp)

Gene: KMT2D (lysine methyltransferase 2D; minus strand). Cytogenetic location: 12q13.12.
Variant type: single nucleotide variant.
Coding change: c.12999G>T on transcript NM_003482.4 (MANE Select); coding-DNA position 12999, G replaced by T.
Protein change: p.Glu4333Asp; replaces glutamic acid 4333 with aspartic acid.
Molecular consequence: missense variant.
Genome position (GRCh38, 1-based): chr12:49,031,706, C>A on the plus strand (G>T on the coding strand, the complement: KMT2D is on the minus strand). VCF-style: chr12-49031706-C-A. GRCh37 (hg19) VCF-style: chr12-49425489-C-A.
Other names: short protein forms E4333D.
Identifiers: ClinVar variation 510078 (VCV000510078.22), dbSNP rs767696694, ClinGen allele CA6546089.